The following is an entry in ClinVar:

NM_001374736.1(DST):c.20026C>A (p.Gln6676Lys)

Gene: DST (dystonin; minus strand). Cytogenetic location: 6p12.1.
Variant type: single nucleotide variant.
Coding change: c.20026C>A on transcript NM_001374736.1 (MANE Select); coding-DNA position 20026, C replaced by A.
Protein change: p.Gln6676Lys; replaces glutamine 6676 with lysine.
Molecular consequence: missense variant.
Genome position (GRCh38, 1-based): chr6:56,497,924, G>T on the plus strand (C>A on the coding strand, the complement: DST is on the minus strand). VCF-style: chr6-56497924-G-T. GRCh37 (hg19) VCF-style: chr6-56362722-G-T.
Other names: c.13669C>A, p.Gln4557Lys (NM_001144769.5); c.13255C>A, p.Gln4419Lys (NM_001144770.2); c.20026C>A, p.Gln6676Lys (NM_001374722.1); c.19066C>A, p.Gln6356Lys (NM_001374729.1); c.12808C>A, p.Gln4270Lys (NM_001374730.1); c.20053C>A, p.Gln6685Lys (NM_001374734.1); c.13135C>A, p.Gln4379Lys (NM_001386100.1, NM_183380.4); c.12157C>A, p.Gln4053Lys (NM_015548.5); short protein forms Q4053K, Q4270K, Q4379K, Q4419K, Q4557K, Q6356K, Q6676K, Q6685K.
Identifiers: ClinVar variation 1055096 (VCV001055096.7), dbSNP rs763656124, ClinGen allele CA139191820.

ClinVar aggregate classification (germline): Uncertain significance (1 of 4 stars; one submission).

Conditions:
Epidermolysis bullosa simplex 3, localized or generalized intermediate, with BP230 deficiency (EBS3). Also called: Epidermolysis bullosa simplex due to BP230 deficiency; Epidermolysis bullosa simplex, autosomal recessive 2. Identifiers: Orphanet 412181, MedGen C3809470, MONDO:0014180, OMIM 615425.
Hereditary sensory and autonomic neuropathy type 6. Also called: HSAN VI; Neuropathy, hereditary sensory and autonomic, type VI. Identifiers: Orphanet 314381, MedGen C3539003, MONDO:0013839, OMIM 614653.

Allele frequency attached by ClinVar (database versions not stated): gnomAD exomes 0.00001.
gnomAD v4.1: 9 of 1,613,252 alleles (0.00056%); highest among the groups gnomAD compares: Non-Finnish European, 0.00076%; no homozygotes.

Submission:

Labcorp Genetics (formerly Invitae), Labcorp
Classification: Uncertain significance for Epidermolysis bullosa simplex 3, localized or generalized intermediate, with BP230 deficiency; Hereditary sensory and autonomic neuropathy type 6. Last evaluated: 2020-01-23. Review status: criteria provided, single submitter. Criteria: Invitae Variant Classification Sherloc (09022015). Collection method: clinical testing. Allele origin: germline.
Comment: Experimental studies and prediction algorithms are not available or were not evaluated, and the functional significance of this variant is currently unknown. In summary, the available evidence is currently insufficient to determine the role of this variant in disease. Therefore, it has been classified as a Variant of Uncertain Significance. This variant has not been reported in the literature in individuals with DST-related conditions. This variant is not present in population databases (ExAC no frequency). This sequence change replaces glutamine with lysine at codon 4053 of the DST protein (p.Gln4053Lys). The glutamine residue is moderately conserved and there is a small physicochemical difference between the two amino acids. The DST gene has multiple clinically relevant transcripts. This variant occurs in alternate transcript NM_015548.4, and corresponds to NM_001723.5:c.*117593C>A in the primary transcript.